The following is an entry in ClinVar:

NM_003482.4(KMT2D):c.6940A>G (p.Thr2314Ala)

Gene: KMT2D (lysine methyltransferase 2D; minus strand). Cytogenetic location: 12q13.12.
Variant type: single nucleotide variant.
Coding change: c.6940A>G on transcript NM_003482.4 (MANE Select); coding-DNA position 6940, A replaced by G.
Protein change: p.Thr2314Ala; replaces threonine 2314 with alanine.
Molecular consequence: missense variant.
Genome position (GRCh38, 1-based): chr12:49,040,830, T>C on the plus strand (A>G on the coding strand, the complement: KMT2D is on the minus strand). VCF-style: chr12-49040830-T-C. GRCh37 (hg19) VCF-style: chr12-49434613-T-C.
Other names: short protein forms T2314A.
Identifiers: ClinVar variation 3014809 (VCV003014809.4), dbSNP rs1248753618, ClinGen allele CA384749244.

ClinVar aggregate classification (germline): Benign/Likely benign. Review status: criteria provided, multiple submitters, no conflicts (2 of 4 stars). 2 submissions from 2 submitters: Benign (1); Likely benign (1). Last evaluated 2026-01-22.

Conditions:
KMT2D-related disorder. Also called: KMT2D-Related Disorders.
Kabuki syndrome. Also called: NIIKAWA-KUROKI SYNDROME; Kabuki make-up syndrome. Identifiers: Orphanet 2322, MedGen C0796004, MONDO:0016512.

Allele frequency attached by ClinVar (database versions not stated): gnomAD exomes below 0.00001; TOPMed below 0.00001.
gnomAD v4.1: 3 of 1,613,522 alleles (0.00019%); highest among the groups gnomAD compares: Admixed American, 0.0017%; no homozygotes.

Submissions (2):

PreventionGenetics, part of Exact Sciences
Classification: Likely benign for KMT2D-related condition. Last evaluated: 2026-01-22. Review status: criteria provided, single submitter. Criteria: ACMG Guidelines, 2015. Collection method: clinical testing. Allele origin: germline.
Comment: This variant is classified as likely benign based on ACMG/AMP sequence variant interpretation guidelines (Richards et al. 2015 PMID: 25741868, with internal and published modifications).

Labcorp Genetics (formerly Invitae), Labcorp
Classification: Benign for Kabuki syndrome. Last evaluated: 2023-07-06. Review status: criteria provided, single submitter. Criteria: Invitae Variant Classification Sherloc (09022015). Collection method: clinical testing. Allele origin: germline.